The following is an entry in ClinVar:

NM_022893.4(BCL11A):c.461G>C (p.Ser154Thr)

Gene: BCL11A (BCL11 transcription factor A; minus strand). Cytogenetic location: 2p16.1.
Variant type: single nucleotide variant.
Coding change: c.461G>C on transcript NM_022893.4 (MANE Select); coding-DNA position 461, G replaced by C.
Protein change: p.Ser154Thr; replaces serine 154 with threonine.
Molecular consequence: missense variant. On other transcripts: intron variant (2).
Genome position (GRCh38, 1-based): chr2:60,468,758, C>G on the plus strand (G>C on the coding strand, the complement: BCL11A is on the minus strand). VCF-style: chr2-60468758-C-G. GRCh37 (hg19) VCF-style: chr2-60695893-C-G.
Other names: c.461G>C, p.Ser154Thr (NM_018014.4, NM_138559.2); c.386-6334G>C (NM_001363864.1, NM_001365609.1); short protein forms S154T.
Identifiers: ClinVar variation 1344964 (VCV001344964.2), dbSNP rs149258940, ClinGen allele CA49018468.

ClinVar aggregate classification (germline): Uncertain significance (1 of 4 stars; one submission).

Allele frequency attached by ClinVar (database versions not stated): gnomAD exomes below 0.00001; gnomAD 0.00001; TOPMed 0.00001; ESP Exome Variant Server 0.00008.
gnomAD v4.1: 2 of 1,612,622 alleles (0.00012%); highest among the groups gnomAD compares: African/African-American, 0.0027%; no homozygotes.

Submission:

GeneDx
Classification: Uncertain significance. Last evaluated: 2022-03-16. Review status: criteria provided, single submitter. Criteria: GeneDx Variant Classification Process June 2021. Collection method: clinical testing. Allele origin: germline. Affected: yes.
Comment: In silico analysis supports that this missense variant does not alter protein structure/function; Has not been previously published as pathogenic or benign to our knowledge